The following is an entry in ClinVar:

ClinVar aggregate classification (germline): Uncertain significance (1 of 4 stars; one submission).

Conditions:
Holoprosencephaly 2 (HPE2). Identifiers: Orphanet 2162, MedGen C1834877, MONDO:0007999, OMIM 157170.

Submission:

Labcorp Genetics (formerly Invitae), Labcorp
Classification: Uncertain significance for Holoprosencephaly 2. Last evaluated: 2022-05-04. Review status: criteria provided, single submitter. Criteria: Invitae Variant Classification Sherloc (09022015). Collection method: clinical testing. Allele origin: germline.
Comment: In summary, the available evidence is currently insufficient to determine the role of this variant in disease. Therefore, it has been classified as a Variant of Uncertain Significance. Algorithms developed to predict the effect of missense changes on protein structure and function (SIFT, PolyPhen-2, Align-GVGD) all suggest that this variant is likely to be tolerated. This variant has not been reported in the literature in individuals affected with SIX3-related conditions. This variant is not present in population databases (gnomAD no frequency). This sequence change replaces aspartic acid, which is acidic and polar, with asparagine, which is neutral and polar, at codon 21 of the SIX3 protein (p.Asp21Asn).

NM_005413.4(SIX3):c.61G>A (p.Asp21Asn)

Gene: SIX3 (SIX homeobox 3; plus strand). Cytogenetic location: 2p21.
Variant type: single nucleotide variant.
Coding change: c.61G>A on transcript NM_005413.4 (MANE Select); coding-DNA position 61, G replaced by A.
Protein change: p.Asp21Asn; replaces aspartic acid 21 with asparagine.
Molecular consequence: missense variant.
Genome position (GRCh38, 1-based): chr2:44,942,165, G>A. VCF-style: chr2-44942165-G-A. GRCh37 (hg19) VCF-style: chr2-45169304-G-A.
Other names: short protein forms D21N.
Identifiers: ClinVar variation 2184546 (VCV002184546.4), dbSNP rs537643024, ClinGen allele CA346798799.